The following is an entry in ClinVar:

NM_182914.3(SYNE2):c.8000C>A (p.Ala2667Asp)

Gene: SYNE2 (spectrin repeat containing nuclear envelope protein 2; plus strand). Cytogenetic location: 14q23.2.
Variant type: single nucleotide variant.
Coding change: c.8000C>A on transcript NM_182914.3 (MANE Select); coding-DNA position 8000, C replaced by A.
Protein change: p.Ala2667Asp; replaces alanine 2667 with aspartic acid.
Molecular consequence: missense variant.
Genome position (GRCh38, 1-based): chr14:64,051,913, C>A. VCF-style: chr14-64051913-C-A. GRCh37 (hg19) VCF-style: chr14-64518631-C-A.
Other names: c.8000C>A, p.Ala2667Asp (NM_015180.6); short protein forms A2667D.
Identifiers: ClinVar variation 1717886 (VCV001717886.5), dbSNP rs564615290, ClinGen allele CA389963647.

ClinVar aggregate classification (germline): Uncertain significance (1 of 4 stars; one submission).

Conditions:
Emery-Dreifuss muscular dystrophy 5, autosomal dominant (EDMD5). Also called: EMERY-DREIFUSS MUSCULAR DYSTROPHY 5. Identifiers: Orphanet 261, MedGen C2751805, MONDO:0013072, OMIM 612999.

Submission:

Labcorp Genetics (formerly Invitae), Labcorp
Classification: Uncertain significance for Emery-Dreifuss muscular dystrophy 5, autosomal dominant. Last evaluated: 2022-08-23. Review status: criteria provided, single submitter. Criteria: Invitae Variant Classification Sherloc (09022015). Collection method: clinical testing. Allele origin: germline.
Comment: In summary, the available evidence is currently insufficient to determine the role of this variant in disease. Therefore, it has been classified as a Variant of Uncertain Significance. Algorithms developed to predict the effect of missense changes on protein structure and function (SIFT, PolyPhen-2, Align-GVGD) all suggest that this variant is likely to be tolerated. This variant has not been reported in the literature in individuals affected with SYNE2-related conditions. This variant is not present in population databases (gnomAD no frequency). This sequence change replaces alanine, which is neutral and non-polar, with aspartic acid, which is acidic and polar, at codon 2667 of the SYNE2 protein (p.Ala2667Asp).